The following is an entry in ClinVar:

NM_033343.4(LHX4):c.270G>A (p.Thr90=)

Gene: LHX4 (LIM homeobox 4; plus strand). Cytogenetic location: 1q25.2.
Variant type: single nucleotide variant.
Coding change: c.270G>A on transcript NM_033343.4 (MANE Select); coding-DNA position 270, G replaced by A.
Protein change: p.Thr90=; no amino-acid change (threonine 90 retained).
Molecular consequence: synonymous variant.
Genome position (GRCh38, 1-based): chr1:180,266,413, G>A. VCF-style: chr1-180266413-G-A. GRCh37 (hg19) VCF-style: chr1-180235548-G-A.
Identifiers: ClinVar variation 3053953 (VCV003053953.2), dbSNP rs767622575, ClinGen allele CA1271853.

ClinVar aggregate classification (germline): Likely benign (0 of 4 stars; one submission).

Conditions:
LHX4-related disorder. Also called: LHX4-related condition.

Allele frequency attached by ClinVar (database versions not stated): ExAC 0.00003; TOPMed 0.00003.
gnomAD v4.1: 16 of 1,614,160 alleles (0.00099%); highest among the groups gnomAD compares: Admixed American, 0.0017%; no homozygotes.

Submission:

PreventionGenetics, part of Exact Sciences
Classification: Likely benign for LHX4-related condition. Last evaluated: 2024-02-05. Review status: no assertion criteria provided. Collection method: clinical testing. Allele origin: germline.
Comment: This variant is classified as likely benign based on ACMG/AMP sequence variant interpretation guidelines (Richards et al. 2015 PMID: 25741868, with internal and published modifications).